The following is an entry in ClinVar:

NM_004064.5(CDKN1B):c.491A>G (p.Asn164Ser)

Gene: CDKN1B (cyclin dependent kinase inhibitor 1B; plus strand). Cytogenetic location: 12p13.1.
Variant type: single nucleotide variant.
Coding change: c.491A>G on transcript NM_004064.5 (MANE Select); coding-DNA position 491, A replaced by G.
Protein change: p.Asn164Ser; replaces asparagine 164 with serine.
Molecular consequence: missense variant.
Genome position (GRCh38, 1-based): chr12:12,718,840, A>G. VCF-style: chr12-12718840-A-G. GRCh37 (hg19) VCF-style: chr12-12871774-A-G.
Other names: short protein forms N164S.
Identifiers: ClinVar variation 825289 (VCV000825289.13), dbSNP rs1592281716, ClinGen allele CA383972618.

ClinVar aggregate classification (germline): Conflicting classifications of pathogenicity. Review status: criteria provided, conflicting classifications (1 of 4 stars). 3 submissions from 3 submitters: Uncertain significance (2); Likely benign (1). Last evaluated 2026-06-12.

Conditions:
Hereditary cancer-predisposing syndrome. Also called: Neoplastic Syndromes, Hereditary; Hereditary Cancer Syndrome; Tumor predisposition; Hereditary neoplastic syndrome. Identifiers: Orphanet 140162, MedGen C0027672, MeSH D009386, MONDO:0015356.
CDKN1B-related disorder. Also called: CDKN1B-related condition.
Multiple endocrine neoplasia type 4. Also called: MULTIPLE ENDOCRINE NEOPLASIA, TYPE IV. Identifiers: Orphanet 276152, MedGen C1970712, MONDO:0012552, OMIM 610755.

Allele frequency attached by ClinVar (database versions not stated): gnomAD exomes below 0.00001; TOPMed below 0.00001.

Submissions (3):

PreventionGenetics, part of Exact Sciences
Classification: Uncertain significance for CDKN1B-related condition. Last evaluated: 2026-06-12. Review status: criteria provided, single submitter. Criteria: ACMG Guidelines, 2015. Collection method: clinical testing. Allele origin: germline.
Comment: The CDKN1B c.491A>G variant is predicted to result in the amino acid substitution p.Asn164Ser. To our knowledge, this variant has not been reported in the literature or in a large population database (gnomAD), indicating this variant is rare. It has conflicting interpretations in ClinVar ranging from likely benign to uncertain (Variation ID: 825289). At this time, the clinical significance of this variant is uncertain due to the absence of conclusive functional and genetic evidence.

Labcorp Genetics (formerly Invitae), Labcorp
Classification: Uncertain significance for Multiple endocrine neoplasia type 4. Last evaluated: 2025-10-13. Review status: criteria provided, single submitter. Criteria: Invitae Variant Classification Sherloc (09022015). Collection method: clinical testing. Allele origin: germline.
Comment: This sequence change replaces asparagine, which is neutral and polar, with serine, which is neutral and polar, at codon 164 of the CDKN1B protein (p.Asn164Ser). This variant is not present in population databases (gnomAD no frequency). This variant has not been reported in the literature in individuals affected with CDKN1B-related conditions. ClinVar contains an entry for this variant (Variation ID: 825289). An algorithm developed to predict the effect of missense changes on protein structure and function (PolyPhen-2) suggests that this variant is likely to be disruptive. RNA analysis performed to evaluate the impact of this missense change on mRNA splicing indicates it does not significantly alter splicing (internal data). In summary, the available evidence is currently insufficient to determine the role of this variant in disease. Therefore, it has been classified as a Variant of Uncertain Significance.

Ambry Genetics
Classification: Likely benign for Hereditary cancer-predisposing syndrome. Last evaluated: 2023-12-27. Review status: criteria provided, single submitter. Criteria: Ambry Variant Classification Scheme 2023. Collection method: clinical testing. Allele origin: germline.